The following is an entry in ClinVar:

NM_177550.5(SLC13A5):c.511del (p.Glu171fs)

Gene: SLC13A5 (solute carrier family 13 member 5; minus strand). Cytogenetic location: 17p13.1.
Variant type: Deletion.
Coding change: c.511del on transcript NM_177550.5 (MANE Select); coding-DNA position 511, one base deleted (G; older notation c.511delG).
Protein change: p.Glu171fs; shifts the reading frame from glutamic acid 171.
Molecular consequence: frameshift variant.
Genome position (GRCh38, 1-based): chr17:6,703,914, C deleted on the plus strand (G on the coding strand, the reverse complement: SLC13A5 is on the minus strand); the first of 2 consecutive C bases (chr17:6,703,914-6,703,915); deleting either gives the same sequence. VCF-style (leftmost placement, unchanged base first): chr17-6703913-TC-T. GRCh37 (hg19) VCF-style: chr17-6607232-TC-T.
Other names: c.511del, p.Glu171fs (NM_001143838.3); c.460del, p.Glu154fs (NM_001284509.2); c.382del, p.Glu128fs (NM_001284510.2); c.511delG (NM_177550.4); short protein forms E128fs, E171fs, E154fs.
Identifiers: ClinVar variation 372505 (VCV000372505.2), dbSNP rs1057517820, ClinGen allele CA16043136.

ClinVar aggregate classification (germline): Pathogenic (1 of 4 stars; one submission).

Submission:

GeneDx
Classification: Pathogenic. Last evaluated: 2015-08-04. Review status: criteria provided, single submitter. Criteria: GeneDx Variant Classification (06012015). Collection method: clinical testing. Allele origin: germline. Affected: yes.
Comment: The c.511delG variant in the SLC13A5 gene has not been reported previously as a pathogenic variant nor as a benign polymorphism, to our knowledge. The c.511delG variant causes a frameshift starting with codon Glutamic acid 171, changes this amino acid to a Serine residue and creates a premature Stop codon at position 16 of the new reading frame, denoted p.Glu171SerfsX16. This variant is predicted to cause loss of normal protein function either through protein truncation or nonsense-mediated mRNA decay. The c.511delG variant was not observed in approximately 6,500 individuals of European and African American ancestry in the NHLBI Exome Sequencing Project, indicating it is not a common benign variant in these populations. Given that the SLC13A5 gene is now associated with an autosomal recessive form of epileptic encephalopathy, we now interpret c.511delG as a pathogenic variant.